The following is an entry in ClinVar:

ClinVar aggregate classification (germline): Uncertain significance (1 of 4 stars; one submission).

Allele frequency attached by ClinVar (database versions not stated): gnomAD exomes 0.00001 and 0.00003; ExAC 0.00008.
gnomAD v4.1: 12 of 1,598,006 alleles (0.00075%); highest among the groups gnomAD compares: South Asian, 0.014%; no homozygotes.

Submissions (2):

Labcorp Genetics (formerly Invitae), Labcorp
Classification: Uncertain significance. Last evaluated: 2025-12-08. Review status: criteria provided, single submitter. Criteria: Invitae Variant Classification Sherloc (09022015). Collection method: clinical testing. Allele origin: germline.
Comment: This sequence change replaces valine, which is neutral and non-polar, with isoleucine, which is neutral and non-polar, at codon 48 of the ITGAM protein (p.Val48Ile). This variant is present in population databases (rs749690208, gnomAD 0.02%). This variant has not been reported in the literature in individuals affected with ITGAM-related conditions. ClinVar contains an entry for this variant (Variation ID: 1367092). An algorithm developed to predict the effect of missense changes on protein structure and function (PolyPhen-2) suggests that this variant is likely to be disruptive. In summary, the available evidence is currently insufficient to determine the role of this variant in disease. Therefore, it has been classified as a Variant of Uncertain Significance.

Dr. Peter K. Rogan Lab, Western University
No classification provided (evidence only). Condition: Thyroid cancer, nonmedullary, 1. Review status: no classification provided. Collection method: in vitro. Allele origin: not applicable. Functional consequence: retained intron. Not counted in ClinVar's aggregate classification.

NM_000632.4(ITGAM):c.142G>A (p.Val48Ile)

Genes: ITGAM (integrin subunit alpha M; plus strand), LOC126862331 (P300/CBP strongly-dependent group 1 enhancer GRCh37_chr16:31276375-31277574; plus strand). Cytogenetic location: 16p11.2.
Variant type: single nucleotide variant.
Coding change: c.142G>A on transcript NM_000632.4 (MANE Select); coding-DNA position 142, G replaced by A.
Protein change: p.Val48Ile; replaces valine 48 with isoleucine.
Molecular consequence: missense variant.
Genome position (GRCh38, 1-based): chr16:31,265,402, G>A. VCF-style: chr16-31265402-G-A. GRCh37 (hg19) VCF-style: chr16-31276723-G-A.
Other names: c.142G>A, p.Val48Ile (NM_001145808.2); short protein forms V48I.
Identifiers: ClinVar variation 1367092 (VCV001367092.9), dbSNP rs749690208, ClinGen allele CA8025135.